The following is an entry in ClinVar:

NM_018646.6(TRPV6):c.2202T>C (p.Asn734=)

Gene: TRPV6 (transient receptor potential cation channel subfamily V member 6; minus strand). Cytogenetic location: 7q34.
Variant type: single nucleotide variant.
Coding change: c.2202T>C on transcript NM_018646.6 (MANE Select); coding-DNA position 2202, T replaced by C.
Protein change: p.Asn734=; no amino-acid change (asparagine 734 retained).
Molecular consequence: synonymous variant.
Genome position (GRCh38, 1-based): chr7:142,871,803, A>G on the plus strand (T>C on the coding strand, the complement: TRPV6 is on the minus strand). VCF-style: chr7-142871803-A-G. GRCh37 (hg19) VCF-style: chr7-142569556-A-G.
Other names: c.2202T>C (NM_018646.5).
Identifiers: ClinVar variation 2800936 (VCV002800936.5), dbSNP rs4987683, ClinGen allele CA4532288.

ClinVar aggregate classification (germline): Benign. Review status: criteria provided, single submitter (1 of 4 stars). 2 submissions from 2 submitters: Benign (1). 1 of the submissions does not count toward it. Last evaluated 2026-02-04.

Conditions:
TRPV6-related disorder. Also called: TRPV6-related condition.

Allele frequency attached by ClinVar (database versions not stated): ExAC 0.02400; gnomAD exomes 0.02515; 1000 Genomes Project 0.03474; TOPMed 0.04292; ESP Exome Variant Server 0.04544; 1000 Genomes Project 30x 0.03529; gnomAD 0.03870.
gnomAD v4.1: 42,810 of 1,614,038 alleles (2.7%); highest among the groups gnomAD compares: African/African-American, 8.4%; 718 homozygotes.

Submissions (2):

Labcorp Genetics (formerly Invitae), Labcorp
Classification: Benign. Last evaluated: 2026-02-04. Review status: criteria provided, single submitter. Criteria: Invitae Variant Classification Sherloc (09022015). Collection method: clinical testing. Allele origin: germline.

PreventionGenetics, part of Exact Sciences
Classification: Benign for TRPV6-related condition. Last evaluated: 2020-02-27. Review status: no assertion criteria provided. Collection method: clinical testing. Allele origin: germline. Not counted in ClinVar's aggregate classification.
Comment: This variant is classified as benign based on ACMG/AMP sequence variant interpretation guidelines (Richards et al. 2015 PMID: 25741868, with internal and published modifications).